The following is an entry in ClinVar:

ClinVar aggregate classification (germline): Uncertain significance (1 of 4 stars; one submission).

Submission:

Labcorp Genetics (formerly Invitae), Labcorp
Classification: Uncertain significance. Last evaluated: 2023-12-09. Review status: criteria provided, single submitter. Criteria: Invitae Variant Classification Sherloc (09022015). Collection method: clinical testing. Allele origin: germline.
Comment: This sequence change results in a frameshift in the PRDX1 gene (p.Ile184Thrfs*31). While this is not anticipated to result in nonsense mediated decay, it is expected to disrupt the last 16 amino acid(s) of the PRDX1 protein and extend the protein by 14 additional amino acid residues. This variant is not present in population databases (gnomAD no frequency). This variant has not been reported in the literature in individuals affected with PRDX1-related conditions. Experimental studies and prediction algorithms are not available or were not evaluated, and the functional significance of this variant is currently unknown. In summary, the available evidence is currently insufficient to determine the role of this variant in disease. Therefore, it has been classified as a Variant of Uncertain Significance.

NM_181697.3(PRDX1):c.551del (p.Ile184fs)

Genes: MMACHC (metabolism of cobalamin associated C; plus strand), PRDX1 (peroxiredoxin 1; minus strand). Cytogenetic location: 1p34.1.
Variant type: Deletion.
Coding change: c.551del on transcript NM_181697.3 (MANE Select); coding-DNA position 551, one base deleted (T; older notation c.551delT).
Protein change: p.Ile184fs; shifts the reading frame from isoleucine 184.
Molecular consequence: frameshift variant. On other transcripts: 3 prime UTR variant (2).
Genome position (GRCh38, 1-based): chr1:45,511,378, A deleted on the plus strand (T on the coding strand, the reverse complement: PRDX1 is on the minus strand). VCF-style (leftmost placement, unchanged base first): chr1-45511377-GA-G. GRCh37 (hg19) VCF-style: chr1-45977049-GA-G.
Other names: c.*2163del (NM_001330540.2, NM_015506.3); c.551del, p.Ile184fs (NM_001202431.2, NM_002574.4, NM_181696.3); short protein forms I184fs.
Identifiers: ClinVar variation 2701912 (VCV002701912.3), dbSNP rs2522842287, ClinGen allele CA2697552413.